The following is an entry in ClinVar:

ClinVar aggregate classification (germline): Uncertain significance. Review status: criteria provided, multiple submitters, no conflicts (2 of 4 stars). 2 submissions from 2 submitters: Uncertain significance (2). Last evaluated 2024-10-11.

Conditions:
Hereditary cancer-predisposing syndrome. Also called: Tumor predisposition; Neoplastic Syndromes, Hereditary; Hereditary Cancer Syndrome; Hereditary neoplastic syndrome. Identifiers: Orphanet 140162, MedGen C0027672, MeSH D009386, MONDO:0015356.
Bloom syndrome (BLM). Also called: Bloom-Torre-Machacek syndrome. Identifiers: Orphanet 125, MedGen C0005859, MONDO:0008876, OMIM 210900.

gnomAD v4.1: 1 of 1,614,162 alleles (0.000062%); highest among the groups gnomAD compares: Non-Finnish European, 0.000085%; no homozygotes.

Submissions (2):

Ambry Genetics
Classification: Uncertain significance for Hereditary cancer-predisposing syndrome. Last evaluated: 2024-10-11. Review status: criteria provided, single submitter. Criteria: Ambry Variant Classification Scheme 2023. Collection method: clinical testing. Allele origin: germline.
Comment: The p.A1327G variant (also known as c.3980C>G), located in coding exon 20 of the BLM gene, results from a C to G substitution at nucleotide position 3980. The alanine at codon 1327 is replaced by glycine, an amino acid with similar properties. This amino acid position is conserved. In addition, this alteration is predicted to be tolerated by in silico analysis. Based on the available evidence, the clinical significance of this variant remains unclear.

Labcorp Genetics (formerly Invitae), Labcorp
Classification: Uncertain significance for Bloom syndrome. Last evaluated: 2024-02-05. Review status: criteria provided, single submitter. Criteria: Invitae Variant Classification Sherloc (09022015). Collection method: clinical testing. Allele origin: germline.
Comment: This sequence change replaces alanine, which is neutral and non-polar, with glycine, which is neutral and non-polar, at codon 1327 of the BLM protein (p.Ala1327Gly). This variant is not present in population databases (gnomAD no frequency). This variant has not been reported in the literature in individuals affected with BLM-related conditions. Advanced modeling of protein sequence and biophysical properties (such as structural, functional, and spatial information, amino acid conservation, physicochemical variation, residue mobility, and thermodynamic stability) performed at Invitae indicates that this missense variant is not expected to disrupt BLM protein function with a negative predictive value of 80%. In summary, the available evidence is currently insufficient to determine the role of this variant in disease. Therefore, it has been classified as a Variant of Uncertain Significance.

NM_000057.4(BLM):c.3980C>G (p.Ala1327Gly)

Gene: BLM (BLM RecQ like helicase; plus strand). Cytogenetic location: 15q26.1.
Variant type: single nucleotide variant.
Coding change: c.3980C>G on transcript NM_000057.4 (MANE Select); coding-DNA position 3980, C replaced by G.
Protein change: p.Ala1327Gly; replaces alanine 1327 with glycine.
Molecular consequence: missense variant.
Genome position (GRCh38, 1-based): chr15:90,811,310, C>G. VCF-style: chr15-90811310-C-G. GRCh37 (hg19) VCF-style: chr15-91354540-C-G.
Other names: c.3980C>G, p.Ala1327Gly (NM_001287246.2); c.3587C>G, p.Ala1196Gly (NM_001287247.2); c.2855C>G, p.Ala952Gly (NM_001287248.2); short protein forms A1196G, A1327G, A952G.
Identifiers: ClinVar variation 3480871 (VCV003480871.3).
Genomic context (GRCh38, chr15:90,811,310, plus strand): 5'-CCGGAAGAAGTGCCGCTGAGGAGCTCGACGAGGAAATACCCGTATCTTCCCACTACTTTG[C>G]AAGTAAAACCAGAAATGAAAGGAAGAGGAAAAAGATGCCAGCCTCCCAAAGGTCTAAGAG-3'
Protein context (NP_000048.1, residues 1317-1337): EEIPVSSHYF[Ala1327Gly]SKTRNERKRK